The following is an entry in ClinVar:

ClinVar aggregate classification (germline): Likely benign. Review status: criteria provided, multiple submitters, no conflicts (2 of 4 stars). 2 submissions from 2 submitters: Likely benign (2). Last evaluated 2026-09-01.

Submissions (2):

CeGaT Center for Human Genetics Tuebingen
Classification: Likely benign. Last evaluated: 2026-09-01. Review status: criteria provided, single submitter. Criteria: CeGaT Center For Human Genetics Tuebingen Variant Classification Criteria Version 2. Collection method: clinical testing. Allele origin: germline. Affected: yes. Observed: 1 variant allele.
Comment: MBOAT7: BP4, BP7

Blueprint Genetics
Classification: Likely benign. Last evaluated: 2024-08-09. Review status: criteria provided, single submitter. Criteria: ACMG Guidelines, 2015. Collection method: clinical testing. Allele origin: germline.

NM_024298.5(MBOAT7):c.867G>A (p.Ala289=)

Gene: MBOAT7 (membrane bound acylglycerophosphatidylinositol O-acyltransferase MBOAT7; minus strand). Cytogenetic location: 19q13.42.
Variant type: single nucleotide variant.
Coding change: c.867G>A on transcript NM_024298.5 (MANE Select); coding-DNA position 867, G replaced by A.
Protein change: p.Ala289=; no amino-acid change (alanine 289 retained).
Molecular consequence: synonymous variant.
Genome position (GRCh38, 1-based): chr19:54,178,929, C>T on the plus strand (G>A on the coding strand, the complement: MBOAT7 is on the minus strand). VCF-style: chr19-54178929-C-T. GRCh37 (hg19) VCF-style: chr19-54682646-C-T.
Other names: c.648G>A, p.Ala216= (NM_001146056.3, NM_001146083.3); c.867G>A, p.Ala289= (NM_001146082.3).
Identifiers: ClinVar variation 4943926 (VCV004943926.2).